The following is an entry in ClinVar:

ClinVar aggregate classification (germline): Uncertain significance (1 of 4 stars; one submission).

Allele frequency attached by ClinVar (database versions not stated): TOPMed below 0.00001; gnomAD 0.00001; gnomAD exomes 0.00001; ExAC 0.00002.
gnomAD v4.1: 46 of 1,598,758 alleles (0.0029%); highest among the groups gnomAD compares: Non-Finnish European, 0.0039%; no homozygotes.

Submission:

Labcorp Genetics (formerly Invitae), Labcorp
Classification: Uncertain significance. Last evaluated: 2021-07-05. Review status: criteria provided, single submitter. Criteria: Invitae Variant Classification Sherloc (09022015). Collection method: clinical testing. Allele origin: germline.
Comment: This sequence change replaces glycine with alanine at codon 2247 of the CACNA1E protein (p.Gly2247Ala). The glycine residue is moderately conserved and there is a small physicochemical difference between glycine and alanine. This variant is present in population databases (rs756086125, ExAC 0.003%). Advanced modeling of protein sequence and biophysical properties (such as structural, functional, and spatial information, amino acid conservation, physicochemical variation, residue mobility, and thermodynamic stability) performed at Invitae indicates that this missense variant is not expected to disrupt CACNA1E protein function. This variant has not been reported in the literature in individuals affected with CACNA1E-related conditions. In summary, the available evidence is currently insufficient to determine the role of this variant in disease. Therefore, it has been classified as a Variant of Uncertain Significance.

NM_001205293.3(CACNA1E):c.6869G>C (p.Gly2290Ala)

Gene: CACNA1E (calcium voltage-gated channel subunit alpha1 E; plus strand). Cytogenetic location: 1q25.3.
Variant type: single nucleotide variant.
Coding change: c.6869G>C on transcript NM_001205293.3 (MANE Select); coding-DNA position 6869, G replaced by C.
Protein change: p.Gly2290Ala; replaces glycine 2290 with alanine.
Molecular consequence: missense variant.
Genome position (GRCh38, 1-based): chr1:181,798,761, G>C. VCF-style: chr1-181798761-G-C. GRCh37 (hg19) VCF-style: chr1-181767897-G-C.
Other names: c.6740G>C, p.Gly2247Ala (NM_000721.4); c.6683G>C, p.Gly2228Ala (NM_001205294.2); short protein forms G2228A, G2247A, G2290A.
Identifiers: ClinVar variation 1476288 (VCV001476288.8), dbSNP rs756086125, ClinGen allele CA1276515.